The following is an entry in ClinVar:

NM_000455.5(STK11):c.297dup (p.Gln100fs)

Gene: STK11 (serine/threonine kinase 11; plus strand). Cytogenetic location: 19p13.3.
Variant type: Duplication.
Coding change: c.297dup on transcript NM_000455.5 (MANE Select); coding-DNA position 297, one base duplicated (T; older notation c.297dupT).
Protein change: p.Gln100fs; shifts the reading frame from glutamine 100.
Molecular consequence: frameshift variant. On other transcripts: non-coding transcript variant (1).
Genome position (GRCh38, 1-based): chr19:1,218,423, T duplicated; the last of 2 consecutive T bases (chr19:1,218,422-1,218,423); duplicating either gives the same sequence. VCF-style (leftmost placement, unchanged base first): chr19-1218421-A-AT. GRCh37 (hg19) VCF-style: chr19-1218420-A-AT.
Other names: c.297dup, p.Gln100fs (NM_001407255.1); short protein forms Q100fs.
Identifiers: ClinVar variation 3600328 (VCV003600328.1).

ClinVar aggregate classification (germline): Pathogenic (1 of 4 stars; one submission).

Conditions:
Peutz-Jeghers syndrome (PJS). Also called: Peutz-Jeghers polyposis; Periorificial lentiginosis syndrome; POLYPOSIS, HAMARTOMATOUS INTESTINAL; POLYPS-AND-SPOTS SYNDROME. Identifiers: Orphanet 2869, MedGen C0031269, MeSH D010580, MONDO:0008280, OMIM 175200.

Submission:

Department of Clinical Genetics, Copenhagen University Hospital, Rigshospitalet
Classification: Pathogenic for Peutz-Jeghers syndrome. Last evaluated: 2025-01-10. Review status: criteria provided, single submitter. Criteria: ACMG Guidelines, 2015. Collection method: clinical testing. Allele origin: germline. Affected: yes.
Comment: The following ACMG criteria was used: PVS1; PM2_SUP; PS4_SUP

Literature cited by the submitters: PubMed 37017260.